The following is an entry in ClinVar:

ClinVar aggregate classification (germline): Uncertain significance. Review status: criteria provided, multiple submitters, no conflicts (2 of 4 stars). 2 submissions from 2 submitters: Uncertain significance (2). Last evaluated 2025-09-04.

Conditions:
ANKRD26-related disorder. Also called: ANKRD26-related condition.
Inborn genetic diseases. Identifiers: MedGen C0950123, MeSH D030342.

Submissions (2):

Ambry Genetics
Classification: Uncertain significance for Inborn genetic diseases. Last evaluated: 2025-09-04. Review status: criteria provided, single submitter. Criteria: Ambry Variant Classification Scheme 2023. Collection method: clinical testing. Allele origin: germline.
Comment: The p.S695P variant (also known as c.2083T>C), located in coding exon 20 of the ANKRD26 gene, results from a T to C substitution at nucleotide position 2083. The serine at codon 695 is replaced by proline, an amino acid with similar properties. This amino acid position is conserved. In addition, this alteration is predicted to be tolerated by in silico analysis. Based on the available evidence, the clinical significance of this variant remains unclear.

PreventionGenetics, part of Exact Sciences
Classification: Uncertain significance for ANKRD26-related condition. Last evaluated: 2023-10-05. Review status: criteria provided, single submitter. Criteria: ACMG Guidelines, 2015. Collection method: clinical testing. Allele origin: germline.
Comment: The ANKRD26 c.2083T>C variant is predicted to result in the amino acid substitution p.Ser695Pro. To our knowledge, this variant has not been reported in the literature or in a large population database, indicating this variant is rare. At this time, the clinical significance of this variant is uncertain due to the absence of conclusive functional and genetic evidence.

NM_014915.3(ANKRD26):c.2083T>C (p.Ser695Pro)

Gene: ANKRD26 (ankyrin repeat domain containing 26; minus strand). Cytogenetic location: 10p12.1.
Variant type: single nucleotide variant.
Coding change: c.2083T>C on transcript NM_014915.3 (MANE Select); coding-DNA position 2083, T replaced by C.
Protein change: p.Ser695Pro; replaces serine 695 with proline.
Molecular consequence: missense variant.
Genome position (GRCh38, 1-based): chr10:27,043,504, A>G on the plus strand (T>C on the coding strand, the complement: ANKRD26 is on the minus strand). VCF-style: chr10-27043504-A-G. GRCh37 (hg19) VCF-style: chr10-27332433-A-G.
Other names: c.2080T>C, p.Ser694Pro (NM_001256053.2); short protein forms S694P, S695P.
Identifiers: ClinVar variation 2634021 (VCV002634021.2), dbSNP rs2538839511, ClinGen allele CA376368876.
Genomic context (GRCh38, chr10:27,043,504, plus strand): 5'-GTTGTTCAATGAGCAACATAAAATTCTTGTAACTAGAGTGGGGTAGCTCACAATCCTCTG[A>G]GGCTGTTTCAGATGACTGAGTTAAGTCATCAACATCATCCATAGACTGTATTTGGTTTTT-3'
Protein context (NP_055730.2, residues 685-705): DDLTQSSETA[Ser695Pro]EDCELPHSSY